The following is an entry in ClinVar:

NM_170699.3(GPBAR1):c.92C>T (p.Ala31Val)

Gene: GPBAR1 (G protein-coupled bile acid receptor 1; plus strand). Cytogenetic location: 2q35.
Variant type: single nucleotide variant.
Coding change: c.92C>T on transcript NM_170699.3 (MANE Select); coding-DNA position 92, C replaced by T.
Protein change: p.Ala31Val; replaces alanine 31 with valine.
Molecular consequence: missense variant.
Genome position (GRCh38, 1-based): chr2:218,262,816, C>T. VCF-style: chr2-218262816-C-T. GRCh37 (hg19) VCF-style: chr2-219127539-C-T.
Other names: c.92C>T, p.Ala31Val (NM_001077191.2, NM_001077194.2, NM_001321950.2); short protein forms A31V.
Identifiers: ClinVar variation 5000952 (VCV005000952.1).

ClinVar aggregate classification (germline): Uncertain significance (1 of 4 stars; one submission).

Conditions:
GPBAR1-related disorder. Also called: GPBAR1-related condition.

gnomAD v4.1: 52 of 1,613,392 alleles (0.0032%); highest among the groups gnomAD compares: Middle Eastern, 0.099%; no homozygotes.

Submission:

PreventionGenetics, part of Exact Sciences
Classification: Uncertain significance for GPBAR1-related condition. Last evaluated: 2025-12-20. Review status: criteria provided, single submitter. Criteria: ACMG Guidelines, 2015. Collection method: clinical testing. Allele origin: germline.
Comment: The GPBAR1 c.92C>T variant is predicted to result in the amino acid substitution p.Ala31Val. To our knowledge, this variant has not been reported in the literature. This variant is reported in 0.0056% of alleles in individuals of East Asian descent in gnomAD. At this time, the clinical significance of this variant is uncertain due to the absence of conclusive functional and genetic evidence.